The following is an entry in ClinVar:

ClinVar aggregate classification (germline): Uncertain significance. Review status: criteria provided, multiple submitters, no conflicts (2 of 4 stars). 2 submissions from 2 submitters: Uncertain significance (2). Last evaluated 2025-10-21.

Conditions:
Inborn genetic diseases. Identifiers: MedGen C0950123, MeSH D030342.

Allele frequency attached by ClinVar (database versions not stated): gnomAD exomes 0.00001; gnomAD 0.00004; TOPMed 0.00004.
gnomAD v4.1: 21 of 1,557,326 alleles (0.0013%); highest among the groups gnomAD compares: Middle Eastern, 0.017%; no homozygotes.

Submissions (2):

Labcorp Genetics (formerly Invitae), Labcorp
Classification: Uncertain significance. Last evaluated: 2025-10-21. Review status: criteria provided, single submitter. Criteria: Invitae Variant Classification Sherloc (09022015). Collection method: clinical testing. Allele origin: germline.
Comment: This sequence change replaces glycine, which is neutral and non-polar, with aspartic acid, which is acidic and polar, at codon 60 of the PPM1D protein (p.Gly60Asp). This variant is present in population databases (rs774135477, gnomAD 0.01%). This variant has not been reported in the literature in individuals affected with PPM1D-related conditions. ClinVar contains an entry for this variant (Variation ID: 2146371). An algorithm developed to predict the effect of missense changes on protein structure and function (PolyPhen-2) suggests that this variant is likely to be tolerated. In summary, the available evidence is currently insufficient to determine the role of this variant in disease. Therefore, it has been classified as a Variant of Uncertain Significance.

Ambry Genetics
Classification: Uncertain significance for Inborn genetic diseases. Last evaluated: 2022-12-28. Review status: criteria provided, single submitter. Criteria: Ambry Variant Classification Scheme 2023. Collection method: clinical testing. Allele origin: germline.

NM_003620.4(PPM1D):c.179G>A (p.Gly60Asp)

Gene: PPM1D (protein phosphatase, Mg2+/Mn2+ dependent 1D; plus strand). Cytogenetic location: 17q23.2.
Variant type: single nucleotide variant.
Coding change: c.179G>A on transcript NM_003620.4 (MANE Select); coding-DNA position 179, G replaced by A.
Protein change: p.Gly60Asp; replaces glycine 60 with aspartic acid.
Molecular consequence: missense variant.
Genome position (GRCh38, 1-based): chr17:60,600,593, G>A. VCF-style: chr17-60600593-G-A. GRCh37 (hg19) VCF-style: chr17-58677954-G-A.
Other names: short protein forms G60D.
Identifiers: ClinVar variation 2146371 (VCV002146371.5), dbSNP rs774135477, ClinGen allele CA8687538.